The following is an entry in ClinVar:

NM_001375524.1(TRRAP):c.3623C>G (p.Thr1208Ser)

Gene: TRRAP (transformation/transcription domain associated protein; plus strand). Cytogenetic location: 7q22.1.
Variant type: single nucleotide variant.
Coding change: c.3623C>G on transcript NM_001375524.1 (MANE Select); coding-DNA position 3623, C replaced by G.
Protein change: p.Thr1208Ser; replaces threonine 1208 with serine.
Molecular consequence: missense variant.
Genome position (GRCh38, 1-based): chr7:98,931,436, C>G. VCF-style: chr7-98931436-C-G. GRCh37 (hg19) VCF-style: chr7-98529059-C-G.
Other names: c.3623C>G, p.Thr1208Ser (NM_001244580.2, NM_003496.4); short protein forms T1208S.
Identifiers: ClinVar variation 2821070 (VCV002821070.3), dbSNP rs1554412817, ClinGen allele CA368301290.

ClinVar aggregate classification (germline): Uncertain significance (1 of 4 stars; one submission).

Submission:

Labcorp Genetics (formerly Invitae), Labcorp
Classification: Uncertain significance. Last evaluated: 2023-01-31. Review status: criteria provided, single submitter. Criteria: Invitae Variant Classification Sherloc (09022015). Collection method: clinical testing. Allele origin: germline.
Comment: This sequence change replaces threonine, which is neutral and polar, with serine, which is neutral and polar, at codon 1208 of the TRRAP protein (p.Thr1208Ser). This variant is not present in population databases (gnomAD no frequency). This variant has not been reported in the literature in individuals affected with TRRAP-related conditions. Advanced modeling of protein sequence and biophysical properties (such as structural, functional, and spatial information, amino acid conservation, physicochemical variation, residue mobility, and thermodynamic stability) performed at Invitae indicates that this missense variant is not expected to disrupt TRRAP protein function. In summary, the available evidence is currently insufficient to determine the role of this variant in disease. Therefore, it has been classified as a Variant of Uncertain Significance.